The following is an entry in ClinVar:

NM_022489.4(INF2):c.1093G>A (p.Asp365Asn)

Gene: INF2 (inverted formin 2; plus strand). Cytogenetic location: 14q32.33.
Variant type: single nucleotide variant.
Coding change: c.1093G>A on transcript NM_022489.4 (MANE Select); coding-DNA position 1093, G replaced by A.
Protein change: p.Asp365Asn; replaces aspartic acid 365 with asparagine.
Molecular consequence: missense variant.
Genome position (GRCh38, 1-based): chr14:104,707,360, G>A. VCF-style: chr14-104707360-G-A. GRCh37 (hg19) VCF-style: chr14-105173697-G-A.
Other names: c.1093G>A, p.Asp365Asn (NM_001031714.4, NM_001426862.1, NM_001426863.1 and 2 more transcripts); short protein forms D365N.
Identifiers: ClinVar variation 2941571 (VCV002941571.3), dbSNP rs2541917575, ClinGen allele CA391215836.

ClinVar aggregate classification (germline): Uncertain significance (1 of 4 stars; one submission).

Conditions:
Charcot-Marie-Tooth disease dominant intermediate E. Also called: CHARCOT-MARIE-TOOTH NEUROPATHY WITH FOCAL SEGMENTAL GLOMERULONEPHRITIS. Identifiers: Orphanet 93114, MedGen C4302667, MONDO:0013758, OMIM 614455.
Focal segmental glomerulosclerosis 5 (FSGS5). Identifiers: Orphanet 656, MedGen C2750475, MONDO:0013191, OMIM 613237.

Submission:

Labcorp Genetics (formerly Invitae), Labcorp
Classification: Uncertain significance for Charcot-Marie-Tooth disease dominant intermediate E; Focal segmental glomerulosclerosis 5. Last evaluated: 2023-10-27. Review status: criteria provided, single submitter. Criteria: Invitae Variant Classification Sherloc (09022015). Collection method: clinical testing. Allele origin: germline.
Comment: This sequence change replaces aspartic acid, which is acidic and polar, with asparagine, which is neutral and polar, at codon 365 of the INF2 protein (p.Asp365Asn). This variant is not present in population databases (gnomAD no frequency). This variant has not been reported in the literature in individuals affected with INF2-related conditions. Advanced modeling of protein sequence and biophysical properties (such as structural, functional, and spatial information, amino acid conservation, physicochemical variation, residue mobility, and thermodynamic stability) performed at Invitae indicates that this missense variant is not expected to disrupt INF2 protein function with a negative predictive value of 95%. In summary, the available evidence is currently insufficient to determine the role of this variant in disease. Therefore, it has been classified as a Variant of Uncertain Significance.